The following is an entry in ClinVar:

NM_020719.3(PRR12):c.2289C>T (p.Ser763=)

Gene: PRR12 (proline rich 12; plus strand). Cytogenetic location: 19q13.33.
Variant type: single nucleotide variant.
Coding change: c.2289C>T on transcript NM_020719.3 (MANE Select); coding-DNA position 2289, C replaced by T.
Protein change: p.Ser763=; no amino-acid change (serine 763 retained).
Molecular consequence: synonymous variant.
Genome position (GRCh38, 1-based): chr19:49,596,624, C>T. VCF-style: chr19-49596624-C-T. GRCh37 (hg19) VCF-style: chr19-50099881-C-T.
Identifiers: ClinVar variation 3047115 (VCV003047115.2), dbSNP rs750242118, ClinGen allele CA9578065.

ClinVar aggregate classification (germline): Likely benign (0 of 4 stars; one submission).

Conditions:
PRR12-related disorder. Also called: PRR12-related condition.

Allele frequency attached by ClinVar (database versions not stated): gnomAD 0.00002; ExAC 0.00004.
gnomAD v4.1: 48 of 1,591,932 alleles (0.003%); highest among the groups gnomAD compares: Non-Finnish European, 0.003%; no homozygotes.

Submission:

PreventionGenetics, part of Exact Sciences
Classification: Likely benign for PRR12-related condition. Last evaluated: 2019-03-04. Review status: no assertion criteria provided. Collection method: clinical testing. Allele origin: germline.
Comment: This variant is classified as likely benign based on ACMG/AMP sequence variant interpretation guidelines (Richards et al. 2015 PMID: 25741868, with internal and published modifications).